The following is an entry in ClinVar:

NM_001009944.3(PKD1):c.11635_11649dup (p.Leu3883_Ser3884insAlaLeuAlaAlaLeu)

Genes: PKD1 (polycystin 1, transient receptor potential channel interacting; minus strand), PKD1-AS1 (PKD1 antisense RNA 1; plus strand). Cytogenetic location: 16p13.3.
Variant type: Duplication.
Coding change: c.11635_11649dup on transcript NM_001009944.3 (MANE Select); coding-DNA positions 11635 to 11649, 15 bases duplicated (GCCCTGGCCGCCCTC).
Protein change: p.Leu3883_Ser3884insAlaLeuAlaAlaLeu.
Molecular consequence: inframe insertion. On other transcripts: non-coding transcript variant (1).
Genome position (GRCh38, 1-based): chr16:2,091,486-2,091,500, GAGGGCGGCCAGGGC duplicated on the plus strand (GCCCTGGCCGCCCTC on the coding strand, the reverse complement: PKD1 is on the minus strand); duplicating any 15 consecutive bases within chr16:2,091,486-2,091,501 gives the same sequence; the c. name uses the placement nearest the transcript's 3' end. VCF-style (leftmost placement, unchanged base first): chr16-2091485-T-TGAGGGCGGCCAGGGC. GRCh37 (hg19) VCF-style: chr16-2141486-T-TGAGGGCGGCCAGGGC.
Other names: c.11632_11646dup, p.Leu3882_Ser3883insAlaLeuAlaAlaLeu (NM_000296.4).
Identifiers: ClinVar variation 3382240 (VCV003382240.2).
Genomic context (GRCh38, chr16:2,091,485, plus strand): 5'-AGGTGAGCAGAGGCAGCGAGAGGCCCGCGCTGAGGCGGCGCAGCGCAAAGGGGCGGACGC[T>TGAGGGCGGCCAGGGC]GAGGGCGGCCAGGGCGCGGCCGGCCGCCGGGAACTCGAGGCGCAGCGTGACGGCGGCGTG-3'

ClinVar aggregate classification (germline): Uncertain significance (1 of 4 stars; one submission).

Conditions:
Polycystic kidney disease, adult type (PKD1). Also called: POLYCYSTIC KIDNEY DISEASE, ADULT, TYPE I; Polycystic Kidney Disease 1, Autosomal Dominant; Polycystic kidney disease 1; Polycystic kidney disease 1, severe; Polycystic Kidney, Autosomal Dominant; POLYCYSTIC KIDNEY DISEASE 1 WITH OR WITHOUT POLYCYSTIC LIVER DISEASE. Identifiers: MedGen C3149841, MONDO:0008263, OMIM 173900.

Submission:

Juno Genomics, Hangzhou Juno Genomics, Inc
Classification: Uncertain significance for Polycystic kidney disease, adult type. Review status: criteria provided, single submitter. Criteria: ACMG Guidelines, 2015. Collection method: clinical testing. Allele origin: germline. Affected: yes.
Comment: Absent from controls (or at extremely low frequency if recessive) in Genome Aggregation Database, Exome Sequencing Project, 1000 Genomes Project, or Exome Aggregation Consortium.;Protein length changes due to in-frame deletions/insertions in a non-repeat region or stop-loss variants.